The following is an entry in ClinVar:

ClinVar aggregate classification (germline): Uncertain significance (1 of 4 stars; one submission).

Submission:

Ambry Genetics
Classification: Uncertain significance. Last evaluated: 2023-03-15. Review status: criteria provided, single submitter. Criteria: Ambry Variant Classification Scheme 2023. Collection method: clinical testing. Allele origin: germline.
Comment: The p.R12Q variant (also known as c.35G>A), located in coding exon 1 of the GALNT12 gene, results from a G to A substitution at nucleotide position 35. The arginine at codon 12 is replaced by glutamine, an amino acid with highly similar properties. This amino acid position is conserved. In addition, this alteration is predicted to be tolerated by in silico analysis. Since supporting evidence is limited at this time, the clinical significance of this alteration remains unclear.

NM_024642.5(GALNT12):c.35G>A (p.Arg12Gln)

Gene: GALNT12 (polypeptide N-acetylgalactosaminyltransferase 12; plus strand). Cytogenetic location: 9q22.33.
Variant type: single nucleotide variant.
Coding change: c.35G>A on transcript NM_024642.5 (MANE Select); coding-DNA position 35, G replaced by A.
Protein change: p.Arg12Gln; replaces arginine 12 with glutamine.
Molecular consequence: missense variant.
Genome position (GRCh38, 1-based): chr9:98,807,733, G>A. VCF-style: chr9-98807733-G-A. GRCh37 (hg19) VCF-style: chr9-101570015-G-A.
Other names: short protein forms R12Q.
Identifiers: ClinVar variation 2566245 (VCV002566245.2), dbSNP rs1835405469, ClinGen allele CA374222077.